The following is an entry in ClinVar:

ClinVar aggregate classification (germline): Uncertain significance. Review status: criteria provided, multiple submitters, no conflicts (2 of 4 stars). 9 submissions from 9 submitters: Uncertain significance (7). 2 of the submissions do not count toward it. Last evaluated 2026-09-10.

Conditions:
MYH6-related disorder. Also called: MYH6-Related Disorders; MYH6-related condition.
Cardiovascular phenotype. Identifiers: MedGen CN230736.
Hypertrophic cardiomyopathy 1 (CMH1). Also called: Familial hypertrophic cardiomyopathy 1; MYH7-Related Familial Hypertrophic Cardiomyopathy. Identifiers: MedGen C3495498, MONDO:0008647, OMIM 192600.
Dilated cardiomyopathy 1EE (CMD1EE). Identifiers: Orphanet 154, MedGen C2750466, MONDO:0013198, OMIM 613252.
Hypertrophic cardiomyopathy 14. Identifiers: MedGen C2750467, MONDO:0013197, OMIM 613251.
Atrial septal defect 3 (ASD3). Identifiers: Orphanet 1478, MedGen C3279790, MONDO:0013567, OMIM 614089.
Sick sinus syndrome 3, susceptibility to (SSS3). Identifiers: Orphanet 166282, MedGen C3279791, MONDO:0013568, OMIM 614090.

Allele frequency attached by ClinVar (database versions not stated): gnomAD exomes 0.00006; ExAC 0.00007; ESP Exome Variant Server 0.00015; TOPMed 0.00020.
gnomAD v4.1: 66 of 1,613,486 alleles (0.0041%); highest among the groups gnomAD compares: African/African-American, 0.053%; no homozygotes.

Submissions (9):

PreventionGenetics, part of Exact Sciences
Classification: Uncertain significance for MYH6-related condition. Last evaluated: 2026-09-10. Review status: criteria provided, single submitter. Criteria: ACMG Guidelines, 2015. Collection method: clinical testing. Allele origin: germline.
Comment: The MYH6 c.5458C>T variant is predicted to result in the amino acid substitution p.Arg1820Trp. This variant has been reported in two individuals with dilated cardiomyopathy (Table S7, Mazzarotto et al. 2020. PubMed ID: 31983221; Table S2, Burstein et al. 2021. PubMed ID: 32746448) and in at least one individual with peripartum cardiomyopathy (Table S3, Goli et al. 2021. PubMed ID: 33874732). This variant is reported in 0.072% of alleles in individuals of African descent in gnomAD, which may be too frequent to be a primary cause of disease. At this time, the clinical significance of this variant is uncertain due to the absence of conclusive functional and genetic evidence.

Labcorp Genetics (formerly Invitae), Labcorp
Classification: Uncertain significance for Hypertrophic cardiomyopathy 14. Last evaluated: 2026-01-26. Review status: criteria provided, single submitter. Criteria: Invitae Variant Classification Sherloc (09022015). Collection method: clinical testing. Allele origin: germline.
Comment: This sequence change replaces arginine, which is basic and polar, with tryptophan, which is neutral and slightly polar, at codon 1820 of the MYH6 protein (p.Arg1820Trp). This variant is present in population databases (rs111473291, gnomAD 0.07%), and has an allele count higher than expected for a pathogenic variant. This missense change has been observed in individual(s) with dilated cardiomyopathy (PMID: 32746448). ClinVar contains an entry for this variant (Variation ID: 228897). Invitae Evidence Modeling of protein sequence and biophysical properties (such as structural, functional, and spatial information, amino acid conservation, physicochemical variation, residue mobility, and thermodynamic stability) indicates that this missense variant is expected to disrupt MYH6 protein function with a positive predictive value of 80%. In summary, the available evidence is currently insufficient to determine the role of this variant in disease. Therefore, it has been classified as a Variant of Uncertain Significance.

Ambry Genetics
Classification: Uncertain significance for Cardiovascular phenotype. Last evaluated: 2025-04-10. Review status: criteria provided, single submitter. Criteria: Ambry Variant Classification Scheme 2023. Collection method: clinical testing. Allele origin: germline.
Comment: The p.R1820W variant (also known as c.5458C>T), located in coding exon 34 of the MYH6 gene, results from a C to T substitution at nucleotide position 5458. The arginine at codon 1820 is replaced by tryptophan, an amino acid with dissimilar properties. This alteration has been reported in association with dilated cardiomyopathy (DCM) and peripartum cardiomyopathy (Burstein DS et al. Pediatr Res, 2021 05;89:1470-1476; Mazzarotto F et al. Circulation, 2020 Feb;141:387-398; Goli R et al. Circulation, 2021 May;143:1852-1862). This amino acid position is well conserved in available vertebrate species. In addition, this alteration is predicted to be deleterious by in silico analysis. Since supporting evidence is limited at this time, the clinical significance of this alteration remains unclear.

GeneDx
Classification: Uncertain significance. Last evaluated: 2024-03-28. Review status: criteria provided, single submitter. Criteria: GeneDx Variant Classification Process June 2021. Collection method: clinical testing. Allele origin: germline. Affected: yes.
Comment: In silico analysis supports that this missense variant has a deleterious effect on protein structure/function; This variant is associated with the following publications: (PMID: 31983221, 32746448)

Fulgent Genetics
Classification: Uncertain significance for Hypertrophic cardiomyopathy 1; Hypertrophic cardiomyopathy 14; Dilated cardiomyopathy 1EE; Atrial septal defect 3; Sick sinus syndrome 3, susceptibility to. Last evaluated: 2021-11-22. Review status: criteria provided, single submitter. Criteria: ACMG Guidelines, 2015. Collection method: clinical testing. Allele origin: unknown.

Laboratory for Molecular Medicine, Mass General Brigham Personalized Medicine
Classification: Uncertain significance. Last evaluated: 2015-05-19. Review status: criteria provided, single submitter. Criteria: LMM Criteria. Collection method: clinical testing. Allele origin: germline. Observed: 2 variant alleles.
Comment: The p.Arg1820Trp variant in MYH6 has not been previously reported in individuals with cardiomyopathy, but has been identified in 0.1% (8/10400) of African chrom osomes by the Exome Aggregation Consortium (ExAC ; dbSNP rs111473291). Computational prediction tools and conservation analysis s uggest that the variant may impact the protein, though this information is not p redictive enough to determine pathogenicity. In summary, the clinical significan ce of the p.Arg1820Trp variant is uncertain.

Breakthrough Genomics
Classification: Uncertain significance. Review status: criteria provided, single submitter. Criteria: ACMG Guidelines, 2015. Collection method: not provided. Allele origin: germline. Inheritance: Autosomal dominant inheritance. Affected: yes.

Clinical Genetics, Academic Medical Center
Classification: Uncertain significance. Review status: no assertion criteria provided. Collection method: clinical testing. Allele origin: germline. Affected: yes. Study: VKGL Data-share Consensus. Not counted in ClinVar's aggregate classification.

Diagnostic Laboratory, Department of Genetics, University Medical Center Groningen
Classification: Uncertain significance. Review status: no assertion criteria provided. Collection method: clinical testing. Allele origin: germline. Affected: yes. Study: VKGL Data-share Consensus. Not counted in ClinVar's aggregate classification.

Literature cited by the submitters: PubMed 32746448 (cited by Labcorp Genetics (formerly Invitae), Labcorp and Ambry Genetics); PubMed 31983221 (cited by Ambry Genetics); PubMed 33874732 (cited by Ambry Genetics).

NM_002471.4(MYH6):c.5458C>T (p.Arg1820Trp)

Gene: MYH6 (myosin heavy chain 6; minus strand). Cytogenetic location: 14q11.2.
Variant type: single nucleotide variant.
Coding change: c.5458C>T on transcript NM_002471.4 (MANE Select); coding-DNA position 5458, C replaced by T.
Protein change: p.Arg1820Trp; replaces arginine 1820 with tryptophan.
Molecular consequence: missense variant.
Genome position (GRCh38, 1-based): chr14:23,384,549, G>A on the plus strand (C>T on the coding strand, the complement: MYH6 is on the minus strand). VCF-style: chr14-23384549-G-A. GRCh37 (hg19) VCF-style: chr14-23853758-G-A.
Other names: short protein forms R1820W.
Identifiers: ClinVar variation 228897 (VCV000228897.28), dbSNP rs111473291, ClinGen allele CA7114430.
Genomic context (GRCh38, chr14:23,384,549, plus strand): 5'-TCACCGACTCTGCGTTGCGCTTCTGCTCGGCCTCCAGCTCACCCTCCAGCTCCCGCACCC[G>A]CGCTTCCAGCTTCTGCAGCTGCTTCTTGCCTCCCTTGAGGGCGATCTGCTCGGCCTCGTC-3'
Protein context (NP_002462.2, residues 1810-1830): GKKQLQKLEA[Arg1820Trp]VRELEGELEA